The following is an entry in ClinVar:

NM_024649.5(BBS1):c.1777G>A (p.Ala593Thr)

Genes: BBS1 (Bardet-Biedl syndrome 1; plus strand), ZDHHC24 (zDHHC palmitoyltransferase 24; minus strand). Cytogenetic location: 11q13.2.
Variant type: single nucleotide variant.
Coding change: c.1777G>A on transcript NM_024649.5 (MANE Select); coding-DNA position 1777, G replaced by A.
Protein change: p.Ala593Thr; replaces alanine 593 with threonine.
Molecular consequence: missense variant. On other transcripts: intron variant (1).
Genome position (GRCh38, 1-based): chr11:66,532,032, G>A. VCF-style: chr11-66532032-G-A. GRCh37 (hg19) VCF-style: chr11-66299503-G-A.
Other names: c.560-2544C>T (NM_001348571.2); short protein forms A593T.
Identifiers: ClinVar variation 1417809 (VCV001417809.8), dbSNP rs760237505, ClinGen allele CA6123893.

ClinVar aggregate classification (germline): Uncertain significance. Review status: criteria provided, multiple submitters, no conflicts (2 of 4 stars). 2 submissions from 2 submitters: Uncertain significance (2). Last evaluated 2024-05-31.

Conditions:
Bardet-Biedl syndrome 1 (BBS1). Identifiers: MedGen C2936862, MONDO:0008854, OMIM 209900. Disease mechanism: loss of function.
Bardet-Biedl syndrome (BBS). Identifiers: Orphanet 110, MedGen C0752166, MONDO:0015229.

Allele frequency attached by ClinVar (database versions not stated): TOPMed 0.00002; gnomAD exomes 0.00011; gnomAD 0.00001; ExAC 0.00026.
gnomAD v4.1: 67 of 1,603,196 alleles (0.0042%); highest among the groups gnomAD compares: South Asian, 0.058%; 1 homozygote.

Submissions (2):

Fulgent Genetics
Classification: Uncertain significance for Bardet-Biedl syndrome 1. Last evaluated: 2024-05-31. Review status: criteria provided, single submitter. Criteria: ACMG Guidelines, 2015. Collection method: clinical testing. Allele origin: germline.

Labcorp Genetics (formerly Invitae), Labcorp
Classification: Uncertain significance for Bardet-Biedl syndrome. Last evaluated: 2021-08-24. Review status: criteria provided, single submitter. Criteria: Invitae Variant Classification Sherloc (09022015). Collection method: clinical testing. Allele origin: germline.
Comment: This sequence change replaces alanine with threonine at codon 593 of the BBS1 protein (p.Ala593Thr). The alanine residue is moderately conserved and there is a small physicochemical difference between alanine and threonine. This variant is present in population databases (rs760237505, ExAC 0.1%). This variant has not been reported in the literature in individuals affected with BBS1-related conditions. Algorithms developed to predict the effect of missense changes on protein structure and function output the following: SIFT: "Tolerated"; PolyPhen-2: "Probably Damaging"; Align-GVGD: "Class C0". The threonine amino acid residue is found in multiple mammalian species, which suggests that this missense change does not adversely affect protein function. In summary, the available evidence is currently insufficient to determine the role of this variant in disease. Therefore, it has been classified as a Variant of Uncertain Significance.